The following is an entry in ClinVar:

ClinVar aggregate classification (germline): Uncertain significance (1 of 4 stars; one submission).

Submission:

GeneDx
Classification: Uncertain significance. Last evaluated: 2025-01-17. Review status: criteria provided, single submitter. Criteria: GeneDx Variant Classification Process June 2021. Collection method: clinical testing. Allele origin: germline. Affected: yes.
Comment: Not observed at significant frequency in large population cohorts (gnomAD); In silico analysis indicates that this missense variant does not alter protein structure/function; Has not been previously published as pathogenic or benign to our knowledge

NM_015001.3(SPEN):c.169A>C (p.Lys57Gln)

Gene: SPEN (spen family transcriptional repressor; plus strand). Cytogenetic location: 1p36.21.
Variant type: single nucleotide variant.
Coding change: c.169A>C on transcript NM_015001.3 (MANE Select); coding-DNA position 169, A replaced by C.
Protein change: p.Lys57Gln; replaces lysine 57 with glutamine.
Molecular consequence: missense variant.
Genome position (GRCh38, 1-based): chr1:15,872,901, A>C. VCF-style: chr1-15872901-A-C. GRCh37 (hg19) VCF-style: chr1-16199396-A-C.
Other names: short protein forms K57Q.
Identifiers: ClinVar variation 4070803 (VCV004070803.1).